The following is an entry in ClinVar:

NM_001278.5(CHUK):c.377G>A (p.Ser126Asn)

Gene: CHUK (component of inhibitor of nuclear factor kappa B kinase complex; minus strand). Cytogenetic location: 10q24.31.
Variant type: single nucleotide variant.
Coding change: c.377G>A on transcript NM_001278.5 (MANE Select); coding-DNA position 377, G replaced by A.
Protein change: p.Ser126Asn; replaces serine 126 with asparagine.
Molecular consequence: missense variant.
Genome position (GRCh38, 1-based): chr10:100,222,120, C>T on the plus strand (G>A on the coding strand, the complement: CHUK is on the minus strand). VCF-style: chr10-100222120-C-T. GRCh37 (hg19) VCF-style: chr10-101981877-C-T.
Other names: c.377G>A, p.Ser126Asn (NM_001320928.2); short protein forms S126N.
Identifiers: ClinVar variation 1514988 (VCV001514988.6), dbSNP rs778573597, ClinGen allele CA5646688.

ClinVar aggregate classification (germline): Uncertain significance (1 of 4 stars; one submission).

Allele frequency attached by ClinVar (database versions not stated): gnomAD exomes below 0.00001 and 0.00001; ExAC 0.00001; gnomAD 0.00001; TOPMed 0.00001.

Submission:

Labcorp Genetics (formerly Invitae), Labcorp
Classification: Uncertain significance. Last evaluated: 2021-11-14. Review status: criteria provided, single submitter. Criteria: Invitae Variant Classification Sherloc (09022015). Collection method: clinical testing. Allele origin: germline.
Comment: The frequency data for this variant in the population databases is considered unreliable, as metrics indicate poor data quality at this position in the gnomAD database. In summary, the available evidence is currently insufficient to determine the role of this variant in disease. Therefore, it has been classified as a Variant of Uncertain Significance. Algorithms developed to predict the effect of missense changes on protein structure and function output the following: SIFT: "Not Available"; PolyPhen-2: "Benign"; Align-GVGD: "Not Available". The asparagine amino acid residue is found in multiple mammalian species, which suggests that this missense change does not adversely affect protein function. This variant has not been reported in the literature in individuals affected with CHUK-related conditions. This sequence change replaces serine, which is neutral and polar, with asparagine, which is neutral and polar, at codon 126 of the CHUK protein (p.Ser126Asn).